The following is an entry in ClinVar:

ClinVar aggregate classification (germline): Uncertain significance (1 of 4 stars; one submission).

Conditions:
Hereditary cancer-predisposing syndrome. Also called: Hereditary Cancer Syndrome; Hereditary neoplastic syndrome; Neoplastic Syndromes, Hereditary; Tumor predisposition. Identifiers: Orphanet 140162, MedGen C0027672, MeSH D009386, MONDO:0015356.

Submission:

Ambry Genetics
Classification: Uncertain significance for Hereditary cancer-predisposing syndrome. Last evaluated: 2020-10-07. Review status: criteria provided, single submitter. Criteria: Ambry Variant Classification Scheme 2023. Collection method: clinical testing. Allele origin: germline.
Comment: The p.R471S variant (also known as c.1411C>A), located in coding exon 10 of the BMPR1A gene, results from a C to A substitution at nucleotide position 1411. The arginine at codon 471 is replaced by serine, an amino acid with dissimilar properties. This amino acid position is well conserved in available vertebrate species. In addition, the in silico prediction for this alteration is inconclusive. Since supporting evidence is limited at this time, the clinical significance of this alteration remains unclear.

NM_004329.3(BMPR1A):c.1411C>A (p.Arg471Ser)

Gene: BMPR1A (bone morphogenetic protein receptor type 1A; plus strand). Cytogenetic location: 10q23.2.
Variant type: single nucleotide variant.
Coding change: c.1411C>A on transcript NM_004329.3 (MANE Select); coding-DNA position 1411, C replaced by A.
Protein change: p.Arg471Ser; replaces arginine 471 with serine.
Molecular consequence: missense variant.
Genome position (GRCh38, 1-based): chr10:86,923,444, C>A. VCF-style: chr10-86923444-C-A. GRCh37 (hg19) VCF-style: chr10-88683201-C-A.
Other names: c.1411C>A, p.Arg471Ser (NM_001406568.1, NM_001406574.1, NM_001406571.1 and 19 more transcripts); c.1486C>A, p.Arg496Ser (NM_001406559.1); c.1459C>A, p.Arg487Ser (NM_001406560.1); c.1405C>A, p.Arg469Ser (NM_001406583.1); c.1327C>A, p.Arg443Ser (NM_001406584.1, NM_001406585.1, NM_001406586.1 and 2 more transcripts); c.1069C>A, p.Arg357Ser (NM_001406589.1); short protein forms R357S, R443S, R469S, R471S, R496S, R487S.
Identifiers: ClinVar variation 1772045 (VCV001772045.2), dbSNP rs771452619, ClinGen allele CA377462975.